The following is an entry in ClinVar:

ClinVar aggregate classification (germline): Uncertain significance. Review status: criteria provided, multiple submitters, no conflicts (2 of 4 stars). 2 submissions from 2 submitters: Uncertain significance (2). Last evaluated 2025-08-22.

Conditions:
Lethal multiple pterygium syndrome (LMPS). Identifiers: Orphanet 33108, MedGen C1854678, MONDO:0009668, OMIM 253290.
Inborn genetic diseases. Identifiers: MedGen C0950123, MeSH D030342.

Allele frequency attached by ClinVar (database versions not stated): ExAC 0.00001.
gnomAD v4.1: 5 of 1,614,052 alleles (0.00031%); highest among the groups gnomAD compares: South Asian, 0.0022%; no homozygotes.

Submissions (2):

Ambry Genetics
Classification: Uncertain significance for Inborn genetic diseases. Last evaluated: 2025-08-22. Review status: criteria provided, single submitter. Criteria: Ambry Variant Classification Scheme 2023. Collection method: clinical testing. Allele origin: germline.

Labcorp Genetics (formerly Invitae), Labcorp
Classification: Uncertain significance for Lethal multiple pterygium syndrome. Last evaluated: 2022-02-11. Review status: criteria provided, single submitter. Criteria: Invitae Variant Classification Sherloc (09022015). Collection method: clinical testing. Allele origin: germline.
Comment: In summary, the available evidence is currently insufficient to determine the role of this variant in disease. Therefore, it has been classified as a Variant of Uncertain Significance. Algorithms developed to predict the effect of missense changes on protein structure and function are either unavailable or do not agree on the potential impact of this missense change (SIFT: "Deleterious"; PolyPhen-2: "Probably Damaging"; Align-GVGD: "Class C0"). ClinVar contains an entry for this variant (Variation ID: 941584). This variant has not been reported in the literature in individuals affected with CHRND-related conditions. This variant is present in population databases (rs755141289, gnomAD 0.003%). This sequence change replaces valine, which is neutral and non-polar, with methionine, which is neutral and non-polar, at codon 131 of the CHRND protein (p.Val131Met).

NM_000751.3(CHRND):c.391G>A (p.Val131Met)

Gene: CHRND (cholinergic receptor nicotinic delta subunit; plus strand). Cytogenetic location: 2q37.1.
Variant type: single nucleotide variant.
Coding change: c.391G>A on transcript NM_000751.3 (MANE Select); coding-DNA position 391, G replaced by A.
Protein change: p.Val131Met; replaces valine 131 with methionine.
Molecular consequence: missense variant. On other transcripts: synonymous variant (1).
Genome position (GRCh38, 1-based): chr2:232,528,538, G>A. VCF-style: chr2-232528538-G-A. GRCh37 (hg19) VCF-style: chr2-233393248-G-A.
Other names: c.391G>A (NM_000751.1); c.346G>A, p.Val116Met (NM_001256657.2); c.120G>A, p.Thr40= (NM_001311195.2); c.88G>A, p.Val30Met (NM_001311196.2); short protein forms V116M, V131M, V30M.
Identifiers: ClinVar variation 941584 (VCV000941584.10), dbSNP rs755141289, ClinGen allele CA2168020.